The following is an entry in ClinVar:

ClinVar aggregate classification (germline): Uncertain significance (1 of 4 stars; one submission).

Allele frequency attached by ClinVar (database versions not stated): gnomAD exomes 0.00001; ExAC 0.00002.
gnomAD v4.1: 3 of 1,611,038 alleles (0.00019%); highest among the groups gnomAD compares: South Asian, 0.0022%; no homozygotes.

Submission:

Labcorp Genetics (formerly Invitae), Labcorp
Classification: Uncertain significance. Last evaluated: 2021-04-20. Review status: criteria provided, single submitter. Criteria: Invitae Variant Classification Sherloc (09022015). Collection method: clinical testing. Allele origin: germline.
Comment: In summary, the available evidence is currently insufficient to determine the role of this variant in disease. Therefore, it has been classified as a Variant of Uncertain Significance. Algorithms developed to predict the effect of missense changes on protein structure and function are either unavailable or do not agree on the potential impact of this missense change (SIFT: "Deleterious"; PolyPhen-2: "Benign"; Align-GVGD: "Class C0"). This variant has not been reported in the literature in individuals with CACNA2D4-related conditions. This variant is present in population databases (rs764637176, ExAC 0.01%). This sequence change replaces lysine with glutamic acid at codon 106 of the CACNA2D4 protein (p.Lys106Glu). The lysine residue is moderately conserved and there is a small physicochemical difference between lysine and glutamic acid.

NM_172364.5(CACNA2D4):c.316A>G (p.Lys106Glu)

Gene: CACNA2D4 (calcium voltage-gated channel auxiliary subunit alpha2delta 4; minus strand). Cytogenetic location: 12p13.33.
Variant type: single nucleotide variant.
Coding change: c.316A>G on transcript NM_172364.5 (MANE Select); coding-DNA position 316, A replaced by G.
Protein change: p.Lys106Glu; replaces lysine 106 with glutamic acid.
Molecular consequence: missense variant.
Genome position (GRCh38, 1-based): chr12:1,913,133, T>C on the plus strand (A>G on the coding strand, the complement: CACNA2D4 is on the minus strand). VCF-style: chr12-1913133-T-C. GRCh37 (hg19) VCF-style: chr12-2022299-T-C.
Other names: short protein forms K106E.
Identifiers: ClinVar variation 1346952 (VCV001346952.8), dbSNP rs764637176, ClinGen allele CA6387575.
Genomic context (GRCh38, chr12:1,913,133, plus strand): 5'-ACTTCCTCACCAGCTCCAAGCCATCCACCTCCTCGATCTTCAGACTGGACTCCACATCCT[T>C]GTACTTCTGTTTGGGGAAAGTGGGAGAGATGCGTGCATGTGGTTTTGTACCAGGATAGTT-3'
Protein context (NP_758952.4, residues 96-116): SGSLLLQKKY[Lys106Glu]DVESSLKIEE